The following is an entry in ClinVar:

NM_177438.3(DICER1):c.5501A>G (p.Tyr1834Cys)

Gene: DICER1 (dicer 1, ribonuclease III; minus strand). Cytogenetic location: 14q32.13.
Variant type: single nucleotide variant.
Coding change: c.5501A>G on transcript NM_177438.3 (MANE Select); coding-DNA position 5501, A replaced by G.
Protein change: p.Tyr1834Cys; replaces tyrosine 1834 with cysteine.
Molecular consequence: missense variant. On other transcripts: non-coding transcript variant (6), intron variant (1).
Genome position (GRCh38, 1-based): chr14:95,091,229, T>C on the plus strand (A>G on the coding strand, the complement: DICER1 is on the minus strand). VCF-style: chr14-95091229-T-C. GRCh37 (hg19) VCF-style: chr14-95557566-T-C.
Other names: c.5501A>G, p.Tyr1834Cys (NM_001271282.3, NM_001291628.2, NM_001395677.1 and 7 more transcripts); c.5219A>G, p.Tyr1740Cys (NM_001395686.1); c.5096A>G, p.Tyr1699Cys (NM_001395687.1, NM_001395688.1, NM_001395689.1 and 1 more transcripts); c.4934A>G, p.Tyr1645Cys (NM_001395691.1); c.3818A>G, p.Tyr1273Cys (NM_001395697.1); c.5365-120A>G (NM_001195573.1); short protein forms Y1699C, Y1273C, Y1740C, Y1834C, Y1645C.
Identifiers: ClinVar variation 3707187 (VCV003707187.2).

ClinVar aggregate classification (germline): Uncertain significance (1 of 4 stars; one submission).

Conditions:
DICER1-related tumor predisposition. Also called: DICER1-related pleuropulmonary blastoma cancer predisposition syndrome; DICER1 syndrome. Identifiers: Orphanet 284343, MedGen C3839822, MONDO:0100216.

Submission:

Labcorp Genetics (formerly Invitae), Labcorp
Classification: Uncertain significance for DICER1-related tumor predisposition. Last evaluated: 2024-03-04. Review status: criteria provided, single submitter. Criteria: Invitae Variant Classification Sherloc (09022015). Collection method: clinical testing. Allele origin: germline.
Comment: This sequence change replaces tyrosine, which is neutral and polar, with cysteine, which is neutral and slightly polar, at codon 1834 of the DICER1 protein (p.Tyr1834Cys). This variant is not present in population databases (gnomAD no frequency). This variant has not been reported in the literature in individuals affected with DICER1-related conditions. An algorithm developed to predict the effect of missense changes on protein structure and function (PolyPhen-2) suggests that this variant is likely to be disruptive. Algorithms developed to predict the effect of sequence changes on RNA splicing suggest that this variant may create or strengthen a splice site. In summary, the available evidence is currently insufficient to determine the role of this variant in disease. Therefore, it has been classified as a Variant of Uncertain Significance.